The following is an entry in ClinVar:

NM_032119.4(ADGRV1):c.12890A>G (p.His4297Arg)

Gene: ADGRV1 (adhesion G protein-coupled receptor V1; plus strand). Cytogenetic location: 5q14.3.
Variant type: single nucleotide variant.
Coding change: c.12890A>G on transcript NM_032119.4 (MANE Select); coding-DNA position 12890, A replaced by G.
Protein change: p.His4297Arg; replaces histidine 4297 with arginine.
Molecular consequence: missense variant. On other transcripts: non-coding transcript variant (1).
Genome position (GRCh38, 1-based): chr5:90,778,905, A>G. VCF-style: chr5-90778905-A-G. GRCh37 (hg19) VCF-style: chr5-90074722-A-G.
Other names: short protein forms H4297R.
Identifiers: ClinVar variation 1464154 (VCV001464154.8), dbSNP rs2150081114, ClinGen allele CA360389101.

ClinVar aggregate classification (germline): Uncertain significance (1 of 4 stars; one submission).

gnomAD v4.1: 1 of 1,613,340 alleles (0.000062%); highest among the groups gnomAD compares: Non-Finnish European, 0.000085%; no homozygotes.

Submission:

Labcorp Genetics (formerly Invitae), Labcorp
Classification: Uncertain significance. Last evaluated: 2022-10-03. Review status: criteria provided, single submitter. Criteria: Invitae Variant Classification Sherloc (09022015). Collection method: clinical testing. Allele origin: germline.
Comment: In summary, the available evidence is currently insufficient to determine the role of this variant in disease. Therefore, it has been classified as a Variant of Uncertain Significance. Advanced modeling of protein sequence and biophysical properties (such as structural, functional, and spatial information, amino acid conservation, physicochemical variation, residue mobility, and thermodynamic stability) performed at Invitae indicates that this missense variant is not expected to disrupt ADGRV1 protein function. ClinVar contains an entry for this variant (Variation ID: 1464154). This variant has not been reported in the literature in individuals affected with ADGRV1-related conditions. This variant is not present in population databases (gnomAD no frequency). This sequence change replaces histidine, which is basic and polar, with arginine, which is basic and polar, at codon 4297 of the ADGRV1 protein (p.His4297Arg).